The following is an entry in ClinVar:

NM_005670.4(EPM2A):c.994_*12del (p.Ter332del)

Gene: EPM2A (EPM2A glucan phosphatase, laforin; minus strand). Cytogenetic location: 6q24.3.
Variant type: Deletion.
Coding change: c.994_*12del on transcript NM_005670.4 (MANE Select); coding-DNA position 994 through 12 bases downstream of the stop codon, 15 bases deleted (TAGCTGGTCAGCCTG).
Protein change: p.Ter332del.
Molecular consequence: stop lost, inframe deletion. On other transcripts: 3 prime UTR variant (1), non-coding transcript variant (1), intron variant (1).
Genome position (GRCh38, 1-based): chr6:145,627,404-145,627,418, CAGGCTGACCAGCTA deleted on the plus strand (TAGCTGGTCAGCCTG on the coding strand, the reverse complement: EPM2A is on the minus strand); deleting any 15 consecutive bases within chr6:145,627,404-145,627,424 gives the same sequence; the c. name uses the placement nearest the transcript's 3' end. VCF-style (leftmost placement, unchanged base first): chr6-145627403-GCAGGCTGACCAGCTA-G. GRCh37 (hg19) VCF-style: chr6-145948539-GCAGGCTGACCAGCTA-G.
Other names: c.*77_*91del (NM_001360057.2); c.580_*12del, p.Ter194del (NM_001360064.2, NM_001360071.2, NM_001368131.1); c.532_*12del, p.Ter178del (NM_001368129.2, NM_001368132.1); c.924+70_924+84del (NM_001018041.2); short protein forms :332del, :194del, :178del.
Identifiers: ClinVar variation 2142453 (VCV002142453.1), dbSNP rs2533591948, ClinGen allele CA2580075175.

ClinVar aggregate classification (germline): Uncertain significance (1 of 4 stars; one submission).

Conditions:
Progressive myoclonic epilepsy. Also called: Familial progressive myoclonic epilepsy; Myoclonus epilepsy; Myoclonic Epilepsies, Progressive; Progressive myoclonus epilepsy. Identifiers: Orphanet 308, Orphanet 98261, MedGen C0751778, MONDO:0020074.

Submission:

Labcorp Genetics (formerly Invitae), Labcorp
Classification: Uncertain significance for Progressive myoclonic epilepsy. Last evaluated: 2022-05-04. Review status: criteria provided, single submitter. Criteria: Invitae Variant Classification Sherloc (09022015). Collection method: clinical testing. Allele origin: germline.
Comment: This sequence change disrupts the translational stop signal of the EPM2A mRNA. It is expected to extend the length of the EPM2A protein by 17 additional amino acid residues. This variant is not present in population databases (gnomAD no frequency). This variant has not been reported in the literature in individuals affected with EPM2A-related conditions. In summary, the available evidence is currently insufficient to determine the role of this variant in disease. Therefore, it has been classified as a Variant of Uncertain Significance.